The following is an entry in ClinVar:

NM_001130987.2(DYSF):c.2365_2409del45 (p.Gln789_Glu803del)

Gene: DYSF (dysferlin; plus strand). Cytogenetic location: 2p13.2.
Variant type: Deletion.
Coding change: c.2365_2409del45 on transcript NM_001130987.2 (MANE Select); coding-DNA positions 2365 to 2409, 45 bases deleted.
Protein change: p.Gln789_Glu803del.
Molecular consequence: inframe deletion.
Genome position (GRCh38, 1-based): chr2:71,561,900-71,561,944, 45 bases deleted; deleting any 45 consecutive bases within chr2:71,561,896-71,561,944 gives the same sequence; the c. name uses the placement nearest the transcript's 3' end. GRCh37 (hg19): chr2:71,789,030-71,789,074.
Other names: c.2314_2358del45, p.Gln772_Glu786del (NM_001130455.2, NM_001130983.2); c.2269_2313del45, p.Gln757_Glu771del (NM_001130976.2, NM_001130977.2); c.2311_2355del45, p.Gln771_Glu785del (NM_001130978.2, NM_003494.4); c.2404_2448del45, p.Gln802_Glu816del (NM_001130979.2); c.2362_2406del45, p.Gln788_Glu802del (NM_001130980.2, NM_001130981.2); c.2407_2451del45, p.Gln803_Glu817del (NM_001130982.2); c.2272_2316del45, p.Gln758_Glu772del (NM_001130984.2, NM_001130986.2); c.2365_2409del45, p.Gln789_Glu803del (NM_001130985.2).
Identifiers: ClinVar variation 2746966 (VCV002746966.3), dbSNP rs2545753714, ClinGen allele CA2697548238.

ClinVar aggregate classification (germline): Uncertain significance (1 of 4 stars; one submission).

Conditions:
Neuromuscular disease caused by qualitative or quantitative defects of dysferlin. Also called: Dysferlinopathy; Qualitative or quantitative defects of dysferlin. Identifiers: Orphanet 207073, MedGen C2931687, MONDO:0016145.

Submission:

Labcorp Genetics (formerly Invitae), Labcorp
Classification: Uncertain significance for Neuromuscular disease caused by qualitative or quantitative defects of dysferlin. Last evaluated: 2023-12-10. Review status: criteria provided, single submitter. Criteria: Invitae Variant Classification Sherloc (09022015). Collection method: clinical testing. Allele origin: germline.
Comment: This variant, c.2311_2355del, results in the deletion of 15 amino acid(s) of the DYSF protein (p.Gln771_Glu785del), but otherwise preserves the integrity of the reading frame. This variant is not present in population databases (gnomAD no frequency). This variant has not been reported in the literature in individuals affected with DYSF-related conditions. Experimental studies and prediction algorithms are not available or were not evaluated, and the functional significance of this variant is currently unknown. In summary, the available evidence is currently insufficient to determine the role of this variant in disease. Therefore, it has been classified as a Variant of Uncertain Significance.